The following is an entry in ClinVar:

NM_001199138.2(NLRC4):c.2350+73T>C

Gene: NLRC4 (NLR family CARD domain containing 4; minus strand). Cytogenetic location: 2p22.3.
Variant type: single nucleotide variant.
Coding change: c.2350+73T>C on transcript NM_001199138.2 (MANE Select); 73 bases into the intron after coding-DNA position 2350, T replaced by C.
Molecular consequence: intron variant.
Genome position (GRCh38, 1-based): chr2:32,240,960, A>G on the plus strand (T>C on the coding strand, the complement: NLRC4 is on the minus strand). VCF-style: chr2-32240960-A-G. GRCh37 (hg19) VCF-style: chr2-32466029-A-G.
Other names: c.355+73T>C (NM_001302504.1); c.2350+73T>C (NM_021209.4, NM_001199139.1).
Identifiers: ClinVar variation 1227975 (VCV001227975.6), dbSNP rs212721, ClinGen allele CA15172557.
Genomic context (GRCh38, chr2:32,240,960, plus strand): 5'-GGGGAAACCAATGTAGCCACAAGTACATAAAAACATCCTTGCCTTGTGCAGACACAGCCA[A>G]TGTCAGAGCCTGAAGTTAACTCCTCTTATTATCAAACTTACATTGATACAAATATGAGAA-3'

ClinVar aggregate classification (germline): Benign. Review status: criteria provided, multiple submitters, no conflicts (2 of 4 stars). 3 submissions from 3 submitters: Benign (3). Last evaluated 2023-11-12.

Allele frequency attached by ClinVar (database versions not stated): gnomAD 0.64230 and 0.64877; TOPMed 0.64330; 1000 Genomes Project 0.59944; 1000 Genomes Project 30x 0.60400.
gnomAD v4.1: 566,027 of 907,506 alleles (62%); highest among the groups gnomAD compares: African/African-American, 69%; 178,083 homozygotes.

Submissions (3):

Unidad de Genómica Garrahan, Hospital de Pediatría Garrahan
Classification: Benign. Last evaluated: 2023-11-12. Review status: criteria provided, single submitter. Criteria: ACMG Guidelines, 2015. Collection method: clinical testing. Allele origin: germline. Affected: no. Observed: 59 variant alleles.
Comment: This variant is classified as Benign based on local population frequency. This variant was detected in 61% of patients studied by a panel of primary immunodeficiencies. Number of patients: 59. Only high quality variants are reported.

GeneDx
Classification: Benign. Last evaluated: 2021-05-13. Review status: criteria provided, single submitter. Criteria: GeneDx Variant Classification Process June 2021. Collection method: clinical testing. Allele origin: germline. Affected: yes.

Breakthrough Genomics
Classification: Benign. Review status: criteria provided, single submitter. Criteria: ACMG Guidelines, 2015. Collection method: not provided. Allele origin: germline. Inheritance: Autosomal dominant inheritance. Affected: yes.